The following is an entry in ClinVar:

ClinVar aggregate classification (germline): Likely pathogenic (1 of 4 stars; one submission).

Conditions:
CECR2-related neurodevelopmental disorder.

Submission:

Center for Statistical Genetics, Columbia University
Classification: Likely pathogenic for CECR2-related neurodevelopmental disorder. Last evaluated: 2025-07-28. Review status: criteria provided, single submitter. Criteria: ACMG Guidelines, 2015. Collection method: clinical testing. Allele origin: germline. Affected: yes.
Comment: Heterozygous variant of unknown inheritance.

NM_001290047.2(CECR2):c.1737dup (p.Thr580fs)

Gene: CECR2 (CECR2 histone acetyl-lysine reader; plus strand). Cytogenetic location: 22q11.21.
Variant type: Duplication.
Coding change: c.1737dup on transcript NM_001290047.2 (MANE Select); coding-DNA position 1737, one base duplicated (C; older notation c.1737dupC).
Protein change: p.Thr580fs; shifts the reading frame from threonine 580.
Molecular consequence: frameshift variant.
Genome position (GRCh38, 1-based): chr22:17,540,653, C duplicated; the last of 6 consecutive C bases (chr22:17,540,648-17,540,653); duplicating any one gives the same sequence. VCF-style (leftmost placement, unchanged base first): chr22-17540647-G-GC. GRCh37 (hg19) VCF-style: chr22-18020336-G-GC.
Other names: p.(Thr580Hisfs*98); c.1248dup, p.Thr417fs (NM_001290046.2); c.1734dupC (NM_001290047.2); short protein forms T417fs, T580fs.
Identifiers: ClinVar variation 4073549 (VCV004073549.1).